The following is an entry in ClinVar:

ClinVar aggregate classification (germline): Uncertain significance (1 of 4 stars; one submission).

gnomAD v4.1: 7 of 1,614,086 alleles (0.00043%); highest among the groups gnomAD compares: Non-Finnish European, 0.00051%; no homozygotes.

Submission:

Labcorp Genetics (formerly Invitae), Labcorp
Classification: Uncertain significance. Last evaluated: 2024-06-03. Review status: criteria provided, single submitter. Criteria: Invitae Variant Classification Sherloc (09022015). Collection method: clinical testing. Allele origin: germline.
Comment: This sequence change replaces serine, which is neutral and polar, with leucine, which is neutral and non-polar, at codon 428 of the CHD4 protein (p.Ser428Leu). This variant is not present in population databases (gnomAD no frequency). This variant has not been reported in the literature in individuals affected with CHD4-related conditions. Advanced modeling of protein sequence and biophysical properties (such as structural, functional, and spatial information, amino acid conservation, physicochemical variation, residue mobility, and thermodynamic stability) performed at Invitae indicates that this missense variant is not expected to disrupt CHD4 protein function with a negative predictive value of 80%. In summary, the available evidence is currently insufficient to determine the role of this variant in disease. Therefore, it has been classified as a Variant of Uncertain Significance.

NM_001273.5(CHD4):c.1283C>T (p.Ser428Leu)

Gene: CHD4 (chromodomain helicase DNA binding protein 4; minus strand). Cytogenetic location: 12p13.31.
Variant type: single nucleotide variant.
Coding change: c.1283C>T on transcript NM_001273.5 (MANE Select); coding-DNA position 1283, C replaced by T.
Protein change: p.Ser428Leu; replaces serine 428 with leucine.
Molecular consequence: missense variant.
Genome position (GRCh38, 1-based): chr12:6,599,972, G>A on the plus strand (C>T on the coding strand, the complement: CHD4 is on the minus strand). VCF-style: chr12-6599972-G-A. GRCh37 (hg19) VCF-style: chr12-6709138-G-A.
Other names: c.1262C>T, p.Ser421Leu (NM_001297553.2); c.1244C>T, p.Ser415Leu (NM_001363606.2); short protein forms S415L, S428L, S421L.
Identifiers: ClinVar variation 2989208 (VCV002989208.3), dbSNP rs147387698, ClinGen allele CA6412268.
Genomic context (GRCh38, chr12:6,599,972, plus strand): 5'-TGGTGGTCATCCTCCTCTTCGAGGTCTCCCCCAACCTCTTCCAGGATCTCCTCACCCTCC[G>A]AATTGTCCTCTTTAGCTTCCCACTGGATGCCTTCCTTCTCCTGCAGTAAAGGACCACAGA-3'
Protein context (NP_001264.2, residues 418-438): GIQWEAKEDN[Ser428Leu]EGEEILEEVG